The following is an entry in ClinVar:

NM_001159699.2(FHL1):c.317A>G (p.Asn106Ser)

Gene: FHL1 (four and a half LIM domains 1; plus strand). Cytogenetic location: Xq26.3.
Variant type: single nucleotide variant.
Coding change: c.317A>G on transcript NM_001159699.2 (MANE Select); coding-DNA position 317, A replaced by G.
Protein change: p.Asn106Ser; replaces asparagine 106 with serine.
Molecular consequence: missense variant. On other transcripts: non-coding transcript variant (1).
Genome position (GRCh38, 1-based): chrX:136,207,128, A>G. VCF-style: chrX-136207128-A-G. GRCh37 (hg19) VCF-style: chrX-135289287-A-G.
Other names: c.269A>G, p.Asn90Ser (NM_001159700.2, NM_001159702.3, NM_001159703.2 and 9 more transcripts); c.356A>G, p.Asn119Ser (NM_001159701.2); c.317A>G, p.Asn106Ser (NM_001330659.2); short protein forms N119S, N90S, N106S.
Identifiers: ClinVar variation 1966128 (VCV001966128.5), dbSNP rs2521265406, ClinGen allele CA414608136.

ClinVar aggregate classification (germline): Uncertain significance (1 of 4 stars; one submission).

Conditions:
X-linked myopathy with postural muscle atrophy. Also called: FHL1-Related Emery-Dreifuss Muscular Dystrophy, X-Linked. Identifiers: Orphanet 178461, MedGen C2678055, MONDO:0010401, OMIM 300696.

Submission:

Labcorp Genetics (formerly Invitae), Labcorp
Classification: Uncertain significance for X-linked myopathy with postural muscle atrophy. Last evaluated: 2025-02-20. Review status: criteria provided, single submitter. Criteria: Invitae Variant Classification Sherloc (09022015). Collection method: clinical testing. Allele origin: germline.
Comment: This sequence change replaces asparagine, which is neutral and polar, with serine, which is neutral and polar, at codon 90 of the FHL1 protein (p.Asn90Ser). This variant is not present in population databases (gnomAD no frequency). This variant has not been reported in the literature in individuals affected with FHL1-related conditions. ClinVar contains an entry for this variant (Variation ID: 1966128). An algorithm developed to predict the effect of missense changes on protein structure and function (PolyPhen-2) suggests that this variant is likely to be tolerated. In summary, the available evidence is currently insufficient to determine the role of this variant in disease. Therefore, it has been classified as a Variant of Uncertain Significance.